The following is an entry in ClinVar:

NM_004006.3(DMD):c.7486C>T (p.Gln2496Ter)

Gene: DMD (dystrophin; minus strand). Cytogenetic location: Xp21.1.
Variant type: single nucleotide variant.
Coding change: c.7486C>T on transcript NM_004006.3 (MANE Select); coding-DNA position 7486, C replaced by T.
Protein change: p.Gln2496Ter; replaces glutamine 2496 with a stop codon.
Molecular consequence: nonsense.
Genome position (GRCh38, 1-based): chrX:31,774,016, G>A on the plus strand (C>T on the coding strand, the complement: DMD is on the minus strand). VCF-style: chrX-31774016-G-A. GRCh37 (hg19) VCF-style: chrX-31792133-G-A.
Other names: c.7462C>T, p.Gln2488Ter (NM_000109.4); c.7474C>T, p.Gln2492Ter (NM_004009.3); c.7117C>T, p.Gln2373Ter (NM_004010.3); c.3463C>T, p.Gln1155Ter (NM_004011.4); c.3454C>T, p.Gln1152Ter (NM_004012.4); c.106C>T, p.Gln36Ter (NM_004013.3, NM_004020.4, NM_004021.3 and 2 more transcripts); short protein forms Q2492*, Q1152*, Q36*, Q1155*, Q2373*, Q2488*, Q2496*.
Identifiers: ClinVar variation 4716426 (VCV004716426.1).
Genomic context (GRCh38, chrX:31,774,016, plus strand): 5'-ATACCTTCTGCTTGATGATCATCTCGTTGATATCCTCAAGGTCACCCACCATCACCCTCT[G>A]TGATTTTATAACTTGATCAAGCAGAGAAAGCCAGTCGGTAAGTTCTGTCCAAGCCCGGTT-3'

ClinVar aggregate classification (germline): Pathogenic (1 of 4 stars; one submission).

Conditions:
Duchenne muscular dystrophy (DMD). Also called: MUSCULAR DYSTROPHY, PSEUDOHYPERTROPHIC PROGRESSIVE, DUCHENNE TYPE; Duchenne Muscular Dystrophy (DMD). Identifiers: Orphanet 98896, MedGen C0013264, MONDO:0010679, OMIM 310200.

Submission:

Labcorp Genetics (formerly Invitae), Labcorp
Classification: Pathogenic for Duchenne muscular dystrophy. Last evaluated: 2025-05-13. Review status: criteria provided, single submitter. Criteria: Invitae Variant Classification Sherloc (09022015). Collection method: clinical testing. Allele origin: germline.
Comment: This sequence change creates a premature translational stop signal (p.Gln2496*) in the DMD gene. It is expected to result in an absent or disrupted protein product. Loss-of-function variants in DMD are known to be pathogenic (PMID: 16770791, 25007885). This variant is not present in population databases (gnomAD no frequency). This variant has not been reported in the literature in individuals affected with DMD-related conditions. For these reasons, this variant has been classified as Pathogenic.

Literature cited by the submitters: PubMed 16770791; PubMed 25007885.